The following is an entry in ClinVar:

NM_032447.5(FBN3):c.6395T>C (p.Val2132Ala)

Gene: FBN3 (fibrillin 3; minus strand). Cytogenetic location: 19p13.2.
Variant type: single nucleotide variant.
Coding change: c.6395T>C on transcript NM_032447.5 (MANE Select); coding-DNA position 6395, T replaced by C.
Protein change: p.Val2132Ala; replaces valine 2132 with alanine.
Molecular consequence: missense variant.
Genome position (GRCh38, 1-based): chr19:8,088,161, A>G on the plus strand (T>C on the coding strand, the complement: FBN3 is on the minus strand). VCF-style: chr19-8088161-A-G. GRCh37 (hg19) VCF-style: chr19-8153045-A-G.
Other names: c.6395T>C, p.Val2132Ala (NM_001321431.2); short protein forms V2132A.
Identifiers: ClinVar variation 4743024 (VCV004743024.1).

ClinVar aggregate classification (germline): Uncertain significance (1 of 4 stars; one submission).

Submission:

Labcorp Genetics (formerly Invitae), Labcorp
Classification: Uncertain significance. Last evaluated: 2025-09-29. Review status: criteria provided, single submitter. Criteria: Invitae Variant Classification Sherloc (09022015). Collection method: clinical testing. Allele origin: germline.
Comment: This sequence change replaces valine, which is neutral and non-polar, with alanine, which is neutral and non-polar, at codon 2132 of the FBN3 protein (p.Val2132Ala). This variant is not present in population databases (gnomAD no frequency). This variant has not been reported in the literature in individuals affected with FBN3-related conditions. Invitae Evidence Modeling of protein sequence and biophysical properties (such as structural, functional, and spatial information, amino acid conservation, physicochemical variation, residue mobility, and thermodynamic stability) indicates that this missense variant is not expected to disrupt FBN3 protein function with a negative predictive value of 80%. In summary, the available evidence is currently insufficient to determine the role of this variant in disease. Therefore, it has been classified as a Variant of Uncertain Significance.